The following is an entry in ClinVar:

ClinVar aggregate classification (germline): Uncertain significance (1 of 4 stars; one submission).

Conditions:
Spastic paraplegia. Identifiers: MedGen C0037772, HP:0001258.

Allele frequency attached by ClinVar (database versions not stated): gnomAD exomes below 0.00001; gnomAD 0.00001; TOPMed 0.00002.
gnomAD v4.1: 5 of 1,208,835 alleles (0.00041%); highest among the groups gnomAD compares: Non-Finnish European, 0.00056%; no homozygotes.

Submission:

Labcorp Genetics (formerly Invitae), Labcorp
Classification: Uncertain significance for Spastic paraplegia. Last evaluated: 2024-01-26. Review status: criteria provided, single submitter. Criteria: Invitae Variant Classification Sherloc (09022015). Collection method: clinical testing. Allele origin: germline.
Comment: This sequence change replaces proline, which is neutral and non-polar, with alanine, which is neutral and non-polar, at codon 166 of the L1CAM protein (p.Pro166Ala). This variant is not present in population databases (gnomAD no frequency). This variant has not been reported in the literature in individuals affected with L1CAM-related conditions. Advanced modeling of protein sequence and biophysical properties (such as structural, functional, and spatial information, amino acid conservation, physicochemical variation, residue mobility, and thermodynamic stability) performed at Invitae indicates that this missense variant is not expected to disrupt L1CAM protein function with a negative predictive value of 95%. In summary, the available evidence is currently insufficient to determine the role of this variant in disease. Therefore, it has been classified as a Variant of Uncertain Significance.

NM_001278116.2(L1CAM):c.496C>G (p.Pro166Ala)

Gene: L1CAM (L1 cell adhesion molecule; minus strand). Cytogenetic location: Xq28.
Variant type: single nucleotide variant.
Coding change: c.496C>G on transcript NM_001278116.2 (MANE Select); coding-DNA position 496, C replaced by G.
Protein change: p.Pro166Ala; replaces proline 166 with alanine.
Molecular consequence: missense variant.
Genome position (GRCh38, 1-based): chrX:153,871,084, G>C on the plus strand (C>G on the coding strand, the complement: L1CAM is on the minus strand). VCF-style: chrX-153871084-G-C. GRCh37 (hg19) VCF-style: chrX-153136539-G-C.
Other names: c.496C>G, p.Pro166Ala (NM_000425.5, NM_024003.3); c.481C>G, p.Pro161Ala (NM_001143963.2); short protein forms P161A, P166A.
Identifiers: ClinVar variation 2722348 (VCV002722348.3), dbSNP rs2064765468, ClinGen allele CA415136380.